The following is an entry in ClinVar:

ClinVar aggregate classification (germline): Likely benign (1 of 4 stars; one submission).

gnomAD v4.1: 1 of 1,614,228 alleles (0.000062%); highest among the groups gnomAD compares: Admixed American, 0.0017%; no homozygotes.

Submission:

CeGaT Center for Human Genetics Tuebingen
Classification: Likely benign. Last evaluated: 2026-08-01. Review status: criteria provided, single submitter. Criteria: CeGaT Center For Human Genetics Tuebingen Variant Classification Criteria Version 2. Collection method: clinical testing. Allele origin: germline. Affected: yes. Observed: 1 variant allele.
Comment: VLDLR: BP4, BP7

NM_003383.5(VLDLR):c.1368A>G (p.Leu456=)

Gene: VLDLR (very low density lipoprotein receptor; plus strand). Cytogenetic location: 9p24.2.
Variant type: single nucleotide variant.
Coding change: c.1368A>G on transcript NM_003383.5 (MANE Select); coding-DNA position 1368, A replaced by G.
Protein change: p.Leu456=; no amino-acid change (leucine 456 retained).
Molecular consequence: synonymous variant.
Genome position (GRCh38, 1-based): chr9:2,645,629, A>G. VCF-style: chr9-2645629-A-G. GRCh37 (hg19) VCF-style: chr9-2645629-A-G.
Other names: c.1368A>G, p.Leu456= (NM_001018056.3); c.1245A>G, p.Leu415= (NM_001322225.2, NM_001322226.2).
Identifiers: ClinVar variation 5039906 (VCV005039906.1).